The following is an entry in ClinVar:

NM_000492.4(CFTR):c.1649dup (p.Gly551fs)

Genes: CFTR (CF transmembrane conductance regulator; plus strand), LOC111674475 (CFTR intron 11 enhancer; plus strand). Cytogenetic location: 7q31.2.
Variant type: Duplication.
Coding change: c.1649dup on transcript NM_000492.4 (MANE Select); coding-DNA position 1649, one base duplicated (G; older notation c.1649dupG).
Protein change: p.Gly551fs; shifts the reading frame from glycine 551.
Molecular consequence: frameshift variant.
Genome position (GRCh38, 1-based): chr7:117,587,803, G duplicated; the last of 2 consecutive G bases (chr7:117,587,802-117,587,803); duplicating either gives the same sequence. VCF-style (leftmost placement, unchanged base first): chr7-117587801-T-TG. GRCh37 (hg19) VCF-style: chr7-117227855-T-TG.
Other names: short protein forms G551fs.
Identifiers: ClinVar variation 4818479 (VCV004818479.1).

ClinVar aggregate classification (germline): Likely pathogenic (1 of 4 stars; one submission).

Conditions:
CFTR-related disorder (CFTR-RD). Also called: CFTR-related disorders; CFTR-related condition. Identifiers: MedGen C5924204, MONDO:7770004.

Submission:

Natera, Inc.
Classification: Likely pathogenic for CFTR-related disorders. Last evaluated: 2024-06-13. Review status: criteria provided, single submitter. Criteria: Natera Variant Classification Schema (03/2026). Collection method: clinical testing. Allele origin: germline.
Comment: The c.1649dup variant in CFTR is a frameshift variant predicted to shift the reading frame beginning at codon 551 and leads to a stop codon 17 codons downstream. This variant is expected to result in nonsense mediated decay, truncation, or a dysfunctional protein product. This variant is rare in the general population with a frequency below the threshold expected for the associated phenotype(s). Given the available evidence, this variant is classified as Likely Pathogenic.